The following is an entry in ClinVar:

NM_000545.8(HNF1A):c.139G>C (p.Gly47Arg)

Gene: HNF1A (HNF1 homeobox A; plus strand). Cytogenetic location: 12q24.31.
Variant type: single nucleotide variant.
Coding change: c.139G>C on transcript NM_000545.8 (MANE Select); coding-DNA position 139, G replaced by C.
Protein change: p.Gly47Arg; replaces glycine 47 with arginine.
Molecular consequence: missense variant.
Genome position (GRCh38, 1-based): chr12:120,978,907, G>C. VCF-style: chr12-120978907-G-C. GRCh37 (hg19) VCF-style: chr12-121416710-G-C.
Other names: NM_000545.8(HNF1A):c.139G>C; p.Gly47Arg; c.139G>C, p.Gly47Arg (NM_001306179.2); short protein forms G47R.
Identifiers: ClinVar variation 882461 (VCV000882461.16), dbSNP rs373180062, ClinGen allele CA6831669.
Genomic context (GRCh38, chr12:120,978,907, plus strand): 5'-ATCCAGGCACTGGGTGAGCCGGGGCCCTACCTCCTGGCTGGAGAAGGCCCCCTGGACAAG[G>C]GGGAGTCCTGCGGCGGCGGTCGAGGGGAGCTGGCTGAGCTGCCCAATGGGCTGGGGGAGA-3'
Protein context (NP_000536.6, residues 37-57): LLAGEGPLDK[Gly47Arg]ESCGGGRGEL

ClinVar aggregate classification (germline): Uncertain significance. Review status: reviewed by expert panel (3 of 4 stars). 8 submissions from 8 submitters: Uncertain significance (1). 7 of the submissions do not count toward it. Last evaluated 2026-02-06.

Conditions:
Maturity-onset diabetes of the young (MODY). Also called: Maturity onset diabetes mellitus in young. Identifiers: Orphanet 552, MedGen C0342276, MONDO:0018911, HP:0004904.
Type 1 diabetes mellitus 20 (T1D20). Also called: Diabetes mellitus, insulin-dependent, 20. Identifiers: MedGen C2675866, MONDO:0012919, OMIM 612520.
Maturity-onset diabetes of the young type 3. Also called: MODY type 3; MODY, type III. Identifiers: Orphanet 552, MedGen C1838100, MeSH C563933, MONDO:0010894, OMIM 600496. Disease mechanism: loss of function.
Diabetes mellitus type 1 (T1D). Also called: Diabetes Mellitus, Juvenile-Onset; Type I diabetes mellitus. Identifiers: MedGen C0011854, MONDO:0005147, OMIM 222100, HP:0100651.
Type 2 diabetes mellitus. Also called: Type II diabetes mellitus. Identifiers: MedGen C0011860, MeSH D003924, MONDO:0005148, OMIM 125853, HP:0005978.
Hepatic adenomas, familial. Also called: HEPATIC ADENOMA, SOMATIC; LIVER CELL ADENOMAS, FAMILIAL. Identifiers: MedGen C1840646, MONDO:0007718, OMIM 142330.
Nonpapillary renal cell carcinoma. Identifiers: Orphanet 422526, MedGen CN074294, MONDO:0007763, OMIM 144700.
Hereditary breast ovarian cancer syndrome. Also called: Breast and ovarian cancer; BRCA1- and BRCA2-Associated Hereditary Breast and Ovarian Cancer; Hereditary breast and ovarian cancer; Hereditary breast and ovarian cancer syndrome (HBOC); Hereditary breast and/or ovarian cancer syndrome; Hereditary breast and ovarian cancer syndrome. Identifiers: Orphanet 145, MedGen C0677776, MeSH D061325, MONDO:0003582. Disease mechanism: loss of function.
Monogenic diabetes. Identifiers: Orphanet 183625, MedGen C3888631, MONDO:0015967.

Allele frequency attached by ClinVar (database versions not stated): ExAC 0.00001; gnomAD exomes 0.00001; gnomAD 0.00003; TOPMed 0.00003; ESP Exome Variant Server 0.00008.

Submissions (8):

ClinGen Monogenic Diabetes Variant Curation Expert Panel
Classification: Uncertain significance for Monogenic diabetes. Last evaluated: 2026-02-06. Review status: reviewed by expert panel. Criteria: ClinGen Diabetes ACMG Specifications HNF1A V3.1.0. Collection method: curation. Allele origin: germline. Inheritance: Autosomal dominant inheritance.
Comment: The c.139G>C variant in the HNF1 homeobox A gene, HNF1A, causes an amino acid change of glycine to arginine at codon 47 (p.(Gly47Arg)) of NM_000545.8. This variant has a Grpmax filtering allele frequency of 0.0000307 in gnomAD v4.1.0, which falls between ClinGen MDEP-established cutoffs for PM2_Supporting and BS1; thus, neither criterion will be applied. While this variant was identified in four unrelated individuals with non-autoimmune and non-absolute/near-absolute insulin-deficient diabetes, PS4 cannot be applied because the Grpmax FAF in gnomAD is above the ClinGen MDEP PM2_Supporting cutoff and PP4 does not apply because the cacluated MODY probability was <50% for these individuals (PMID: 23274891, 23348805, internal lab contributors). This variant has a REVEL score of 0.572, which is between the ClinGen MDEP thresholds, predicting neither a damaging nor benign impact on HNF1A function. Functional studies demonstrated the p.Gly47Arg protein has transactivation above 75% of wildtype, indicating that this variant does not impact protein function (BS3_Supporting; PMID: 32910913). Another missense variant at the same residue, c.140G>A (p.(Gly47Glu)), has been classified as a VUS by the ClinGen MDEP; therefore, PM5 will not be applied. Additionally, the nucleotide change c.139G>A, which causes the same amino acid change, has been reported in a patient with monogenic diabetes, but this variant has been classified as a VUS by the ClinGen MDEP, and therefore, PS1 does not apply. In summary, c.139G>C meets the criteria to be classified as a variant of uncertain significance for monogenic diabetes. ACMG/AMP criteria applied, as specified by the ClinGen MDEP (specification version 3.1.0, approved 10/10/2025): BS3_Supporting.

Labcorp Genetics (formerly Invitae), Labcorp
Classification: Uncertain significance. Last evaluated: 2025-10-01. Review status: criteria provided, single submitter. Criteria: Invitae Variant Classification Sherloc (09022015). Collection method: clinical testing. Allele origin: germline. Not counted in ClinVar's aggregate classification.
Comment: This sequence change replaces glycine, which is neutral and non-polar, with arginine, which is basic and polar, at codon 47 of the HNF1A protein (p.Gly47Arg). This variant is present in population databases (rs373180062, gnomAD 0.004%). This missense change has been observed in individual(s) with HNF1A-related conditions (PMID: 23274891, 23348805, 32741144, 32910913). ClinVar contains an entry for this variant (Variation ID: 882461). Invitae Evidence Modeling of protein sequence and biophysical properties (such as structural, functional, and spatial information, amino acid conservation, physicochemical variation, residue mobility, and thermodynamic stability) indicates that this missense variant is not expected to disrupt HNF1A protein function with a negative predictive value of 80%. Experimental studies have shown that this missense change does not substantially affect HNF1A function (PMID: 32910913). In summary, the available evidence is currently insufficient to determine the role of this variant in disease. Therefore, it has been classified as a Variant of Uncertain Significance.

Laboratorio de Genetica e Diagnostico Molecular, Hospital Israelita Albert Einstein
Classification: Uncertain significance for Hereditary breast ovarian cancer syndrome. Last evaluated: 2023-07-17. Review status: criteria provided, single submitter. Criteria: ACMG Guidelines, 2015. Collection method: clinical testing. Allele origin: germline. Affected: yes. Not counted in ClinVar's aggregate classification.

Fulgent Genetics
Classification: Uncertain significance for Type 2 diabetes mellitus; Hepatic adenomas, familial; Nonpapillary renal cell carcinoma; Diabetes mellitus type 1; Maturity-onset diabetes of the young type 3; Type 1 diabetes mellitus 20. Last evaluated: 2022-05-01. Review status: criteria provided, single submitter. Criteria: ACMG Guidelines, 2015. Collection method: clinical testing. Allele origin: unknown. Not counted in ClinVar's aggregate classification.

Broad Center for Mendelian Genomics, Broad Institute of MIT and Harvard
Classification: Uncertain significance for Maturity-onset diabetes of the young type 3. Last evaluated: 2020-01-22. Review status: criteria provided, single submitter. Criteria: ACMG Guidelines, 2015. Collection method: curation. Allele origin: germline. Inheritance: Autosomal dominant inheritance. Not counted in ClinVar's aggregate classification.
Comment: The p.Gly47Arg variant in HNF1A has not been previously reported in individuals with maturity-onset diabetes of the young and has been identified in 0.004% (1/24066) of African chromosomes and 0.0008% (1/123988) of European (non-Finnish) chromosomes by the Genome Aggregation Database (gnomAD; dbSNP rs373180062). Please note that for diseases with clinical variability, or reduced penetrance, pathogenic variants may be present at a low frequency in the general population. Computational prediction tools, including splice predictors, and conservation analyses suggest that this variant may not impact the protein, though this information is not predictive enough to rule out pathogenicity. The Glycine (Gly) at position 47 is not highly conserved in mammals and evolutionary distant species, and 3 species (opossum, wallaby, and Tasmanian devil) carry a Arginine (Arg), raising the possibility that this change at this position may be tolerated. In summary, the clinical significance of the p.Gly47Arg variant is uncertain. ACMG/AMP Criteria applied: PM2, BP4 (Richards 2015).

Illumina Laboratory Services, Illumina
Classification: Uncertain significance for Maturity-onset diabetes of the young type 3. Last evaluated: 2018-01-24. Review status: criteria provided, single submitter. Criteria: ICSL Variant Classification Criteria 13 December 2019. Collection method: clinical testing. Allele origin: germline. Not counted in ClinVar's aggregate classification.
Comment: This variant was observed as part of a predisposition screen in an ostensibly healthy population. A literature search was performed for the gene, cDNA change, and amino acid change (where applicable). Publications were found based on this search. However, the evidence from the literature, in combination with allele frequency data from public databases where available, was not sufficient to rule this variant in or out of causing disease. Therefore, this variant is classified as a variant of unknown significance.

Breakthrough Genomics
Classification: Uncertain significance. Review status: criteria provided, single submitter. Criteria: ACMG Guidelines, 2015. Collection method: not provided. Allele origin: germline. Inheritance: Autosomal recessive inheritance. Affected: yes. Not counted in ClinVar's aggregate classification.

Clinical Genomics, Uppaluri K&H Personalized Medicine Clinic
Classification: Likely risk allele for Maturity-onset diabetes of the young. Review status: criteria provided, single submitter. Criteria: K & H Uppaluri Personalized Medicine Clinic Variant Classification & Assertion Criteria_Updated V.1. Collection method: research. Allele origin: unknown. Inheritance: Autosomal dominant inheritance. Not counted in ClinVar's aggregate classification.
Comment: Mutations in HNF1A gene can predispose to MODY3. It is associated with both micro and macrovascular complications of diabetes, especially cardiovascular complications. Associated with glucosuria. May respond well to sulfonylureas. Sufficient evidence is found to confer the association of this particular variant rs373180062 with MODY3.

Literature cited by the submitters: PubMed 23274891 (cited by 3 submitters); PubMed 23348805 (cited by 3 submitters); PubMed 32910913 (cited by ClinGen Monogenic Diabetes Variant Curation Expert Panel and Labcorp Genetics (formerly Invitae), Labcorp); PubMed 32741144 (cited by Labcorp Genetics (formerly Invitae), Labcorp and Clinical Genomics, Uppaluri K&H Personalized Medicine Clinic).